The following is an entry in ClinVar:

ClinVar aggregate classification (germline): Uncertain significance (1 of 4 stars; one submission).

Submission:

GeneDx
Classification: Uncertain significance. Last evaluated: 2026-02-04. Review status: criteria provided, single submitter. Criteria: GeneDx Variant Classification Process June 2021. Collection method: clinical testing. Allele origin: germline.
Comment: Not observed at significant frequency in large population cohorts (gnomAD); Has not been previously published as pathogenic or benign to our knowledge; Canonical splice site variant in a gene for which loss of function is not an established mechanism of disease

NM_001382241.1(TNPO2):c.2209+1G>A

Gene: TNPO2 (transportin 2; minus strand). Cytogenetic location: 19p13.13.
Variant type: single nucleotide variant.
Coding change: c.2209+1G>A on transcript NM_001382241.1 (MANE Select); the canonical splice donor site of the intron after coding-DNA position 2209, G replaced by A.
Molecular consequence: splice donor variant.
Genome position (GRCh38, 1-based): chr19:12,703,427, C>T on the plus strand (G>A on the coding strand, the complement: TNPO2 is on the minus strand). VCF-style: chr19-12703427-C-T. GRCh37 (hg19) VCF-style: chr19-12814241-C-T.
Other names: c.2209+1G>A (NM_001382237.1, NM_001382240.1, NM_001382238.1 and 7 more transcripts).
Identifiers: ClinVar variation 4976064 (VCV004976064.1).
Genomic context (GRCh38, chr19:12,703,427, plus strand): 5'-CCGCCCCCAGGTTGAGAACAGGCTAATGGGGGGCGCGTGTTGCCACTTGCAGGGCACTCA[C>T]CCATCTGCATGCAGATTTCACCAATGGCCCAGGTGGCGTTGTTGCAGACGGAGATGAACT-3'